The following is an entry in ClinVar:

ClinVar aggregate classification (germline): Uncertain significance (1 of 4 stars; one submission).

Submission:

GeneDx
Classification: Uncertain significance. Last evaluated: 2025-08-07. Review status: criteria provided, single submitter. Criteria: GeneDx Variant Classification Process June 2021. Collection method: clinical testing. Allele origin: germline. Affected: yes.
Comment: Not observed at significant frequency in large population cohorts (gnomAD); In silico analysis suggests that this missense variant does not alter protein structure/function; Has not been previously published as pathogenic or benign to our knowledge

NM_001039591.3(USP9X):c.6528G>C (p.Gln2176His)

Gene: USP9X (ubiquitin specific peptidase 9 X-linked; plus strand). Cytogenetic location: Xp11.4.
Variant type: single nucleotide variant.
Coding change: c.6528G>C on transcript NM_001039591.3 (MANE Select); coding-DNA position 6528, G replaced by C.
Protein change: p.Gln2176His; replaces glutamine 2176 with histidine.
Molecular consequence: missense variant.
Genome position (GRCh38, 1-based): chrX:41,219,194, G>C. VCF-style: chrX-41219194-G-C. GRCh37 (hg19) VCF-style: chrX-41078447-G-C.
Other names: c.6528G>C, p.Gln2176His (NM_001039590.3); c.6543G>C, p.Gln2181His (NM_001410748.1, NM_001410749.1, NM_001437534.1); short protein forms Q2176H, Q2181H.
Identifiers: ClinVar variation 4755911 (VCV004755911.1).